The following is an entry in ClinVar:

ClinVar aggregate classification (germline): Uncertain significance. Review status: criteria provided, multiple submitters, no conflicts (2 of 4 stars). 4 submissions from 4 submitters: Uncertain significance (4). Last evaluated 2026-01-01.

Conditions:
Hereditary cancer-predisposing syndrome. Also called: Neoplastic Syndromes, Hereditary; Tumor predisposition; Hereditary Cancer Syndrome; Hereditary neoplastic syndrome. Identifiers: Orphanet 140162, MedGen C0027672, MeSH D009386, MONDO:0015356.
Colorectal cancer, susceptibility to, 12 (CRCS12). Also called: COLORECTAL CANCER, SUSCEPTIBILITY TO, ON CHROMOSOME 12q24. Identifiers: Orphanet 220460, MedGen C3554460, MONDO:0014038, OMIM 615083.

Allele frequency attached by ClinVar (database versions not stated): TOPMed below 0.00001; ExAC 0.00001; gnomAD exomes 0.00001.
gnomAD v4.1: 10 of 1,613,822 alleles (0.00062%); highest among the groups gnomAD compares: Non-Finnish European, 0.00085%; no homozygotes.

Submissions (4):

Labcorp Genetics (formerly Invitae), Labcorp
Classification: Uncertain significance. Last evaluated: 2026-01-01. Review status: criteria provided, single submitter. Criteria: Invitae Variant Classification Sherloc (09022015). Collection method: clinical testing. Allele origin: germline.
Comment: This sequence change replaces methionine, which is neutral and non-polar, with isoleucine, which is neutral and non-polar, at codon 294 of the POLE protein (p.Met294Ile). This variant is present in population databases (rs774328855, gnomAD 0.002%). This variant has not been reported in the literature in individuals affected with POLE-related conditions. ClinVar contains an entry for this variant (Variation ID: 484499). Invitae Evidence Modeling of protein sequence and biophysical properties (such as structural, functional, and spatial information, amino acid conservation, physicochemical variation, residue mobility, and thermodynamic stability) indicates that this missense variant is not expected to disrupt POLE protein function with a negative predictive value of 80%. In summary, the available evidence is currently insufficient to determine the role of this variant in disease. Therefore, it has been classified as a Variant of Uncertain Significance.

GeneDx
Classification: Uncertain significance. Last evaluated: 2024-03-28. Review status: criteria provided, single submitter. Criteria: GeneDx Variant Classification Process June 2021. Collection method: clinical testing. Allele origin: germline. Affected: yes.
Comment: Not observed at significant frequency in large population cohorts (gnomAD); In silico analysis supports that this missense variant has a deleterious effect on protein structure/function; Has not been previously published as pathogenic or benign to our knowledge

Baylor Genetics
Classification: Uncertain significance for Colorectal cancer, susceptibility to, 12. Last evaluated: 2024-03-11. Review status: criteria provided, single submitter. Criteria: ACMG Guidelines, 2015. Collection method: clinical testing. Allele origin: unknown.

Ambry Genetics
Classification: Uncertain significance for Hereditary cancer-predisposing syndrome. Last evaluated: 2023-12-28. Review status: criteria provided, single submitter. Criteria: Ambry Variant Classification Scheme 2023. Collection method: clinical testing. Allele origin: germline.
Comment: The p.M294I variant (also known as c.882G>A), located in coding exon 9 of the POLE gene, results from a G to A substitution at nucleotide position 882. The methionine at codon 294 is replaced by isoleucine, an amino acid with highly similar properties. This amino acid position is highly conserved in available vertebrate species. In addition, the in silico prediction for this alteration is inconclusive. Since supporting evidence is limited at this time, the clinical significance of this alteration remains unclear.

NM_006231.4(POLE):c.882G>A (p.Met294Ile)

Gene: POLE (DNA polymerase epsilon, catalytic subunit; minus strand). Cytogenetic location: 12q24.33.
Variant type: single nucleotide variant.
Coding change: c.882G>A on transcript NM_006231.4 (MANE Select); coding-DNA position 882, G replaced by A.
Protein change: p.Met294Ile; replaces methionine 294 with isoleucine.
Molecular consequence: missense variant.
Genome position (GRCh38, 1-based): chr12:132,676,573, C>T on the plus strand (G>A on the coding strand, the complement: POLE is on the minus strand). VCF-style: chr12-132676573-C-T. GRCh37 (hg19) VCF-style: chr12-133253159-C-T.
Other names: short protein forms M294I.
Identifiers: ClinVar variation 484499 (VCV000484499.19), dbSNP rs774328855, ClinGen allele CA6894154.